The following is an entry in ClinVar:

ClinVar aggregate classification (germline): Uncertain significance (1 of 4 stars; one submission).

Submission:

Labcorp Genetics (formerly Invitae), Labcorp
Classification: Uncertain significance. Last evaluated: 2023-10-05. Review status: criteria provided, single submitter. Criteria: Invitae Variant Classification Sherloc (09022015). Collection method: clinical testing. Allele origin: germline.
Comment: This sequence change replaces leucine, which is neutral and non-polar, with isoleucine, which is neutral and non-polar, at codon 220 of the ERCC6L2 protein (p.Leu220Ile). This variant is not present in population databases (gnomAD no frequency). This variant has not been reported in the literature in individuals affected with ERCC6L2-related conditions. Experimental studies and prediction algorithms are not available or were not evaluated, and the functional significance of this variant is currently unknown. Algorithms developed to predict the effect of sequence changes on RNA splicing suggest that this variant may disrupt the consensus splice site. In summary, the available evidence is currently insufficient to determine the role of this variant in disease. Therefore, it has been classified as a Variant of Uncertain Significance.

NM_020207.7(ERCC6L2):c.625C>A (p.Leu209Ile)

Gene: ERCC6L2 (ERCC excision repair 6 like 2; plus strand). Cytogenetic location: 9q22.32.
Variant type: single nucleotide variant.
Coding change: c.625C>A on transcript NM_020207.7 (MANE Select); coding-DNA position 625, C replaced by A.
Protein change: p.Leu209Ile; replaces leucine 209 with isoleucine.
Molecular consequence: missense variant. On other transcripts: non-coding transcript variant (1).
Genome position (GRCh38, 1-based): chr9:95,907,108, C>A. VCF-style: chr9-95907108-C-A. GRCh37 (hg19) VCF-style: chr9-98669390-C-A.
Other names: c.625C>A, p.Leu209Ile (NM_001010895.4, NM_001375291.1, NM_001375292.1 and 2 more transcripts); short protein forms L209I.
Identifiers: ClinVar variation 2766167 (VCV002766167.3), dbSNP rs2490053464, ClinGen allele CA374120848.